The following is an entry in ClinVar:

ClinVar aggregate classification (germline): Pathogenic (1 of 4 stars; one submission).

Conditions:
Telangiectasia, hereditary hemorrhagic, type 2 (HHT2). Also called: ACVRL1-Related Hereditary Hemorrhagic Telangiectasia; Telangiectasia, hereditary hemorrhagic, type II. Identifiers: Orphanet 774, MedGen C1838163, MONDO:0010880, OMIM 600376. Disease mechanism: loss of function.

Submission:

Labcorp Genetics (formerly Invitae), Labcorp
Classification: Pathogenic for Telangiectasia, hereditary hemorrhagic, type 2. Last evaluated: 2017-11-07. Review status: criteria provided, single submitter. Criteria: Invitae Variant Classification Sherloc (09022015). Collection method: clinical testing. Allele origin: germline.
Comment: This variant is a gross deletion of the genomic region encompassing exon 10 of the ACVRL1 gene. The 5' boundary is likely confined to intron 9. The 3' end of this event is unknown as it extends through the termination codon beyond the assayed region for this gene and may encompass additional genes. While this deletion is not anticipated to result in nonsense mediated decay, it is expected to create a truncated protein product or disrupt mRNA translation. Loss-of-function variants in ACVRL1 are known to be pathogenic. This particular variant has been reported in the literature in several unrelated individuals with hereditary hemorrhagic telangiectasia (PMID: 20414677). For these reasons, this variant has been classified as Pathogenic.

Literature cited by the submitters: PubMed 20414677.

NC_000012.12:g.(?_51920739)_(51920913_?)del

Gene: ACVRL1 (activin A receptor like type 1; plus strand). Cytogenetic location: 12q13.13.
Variant type: Deletion.
Identifiers: ClinVar variation 533361 (VCV000533361.1).